The following is an entry in ClinVar:

ClinVar aggregate classification (germline): Conflicting classifications of pathogenicity. Review status: criteria provided, conflicting classifications (1 of 4 stars). 2 submissions from 2 submitters: Pathogenic (1); Uncertain significance (1). Last evaluated 2025-07-18.

Allele frequency attached by ClinVar (database versions not stated): gnomAD exomes below 0.00001.
gnomAD v4.1: 1 of 1,613,970 alleles (0.000062%); highest among the groups gnomAD compares: Non-Finnish European, 0.000085%; no homozygotes.

Submissions (2):

Women's Health and Genetics/Laboratory Corporation of America, LabCorp
Classification: Uncertain significance. Last evaluated: 2025-07-18. Review status: criteria provided, single submitter. Criteria: LabCorp Variant Classification Summary - May 2015. Collection method: clinical testing. Allele origin: germline.
Comment: Variant summary: USH2A c.12104C>T (p.Pro4035Leu) results in a non-conservative amino acid change located in the Fibronectin type III domain (IPR003961) of the encoded protein sequence. Algorithms developed to predict the effect of missense changes on protein structure and function all suggest that this variant is likely to be disruptive. The variant was absent in 250780 control chromosomes. c.12104C>T has been observed in individuals affected with Usher Syndrome (e.g., Sun_2018, Zhu_2020). These data indicate that the variant may be associated with disease. To our knowledge, no experimental evidence demonstrating an impact on protein function has been reported. The following publications have been ascertained in the context of this evaluation (PMID: 29625443, 32675063). ClinVar contains an entry for this variant (Variation ID: 2627272). Based on the evidence outlined above, the variant was classified as VUS-possibly pathogenic.

Labcorp Genetics (formerly Invitae), Labcorp
Classification: Pathogenic. Last evaluated: 2024-01-10. Review status: criteria provided, single submitter. Criteria: Invitae Variant Classification Sherloc (09022015). Collection method: clinical testing. Allele origin: germline.
Comment: This sequence change replaces proline, which is neutral and non-polar, with leucine, which is neutral and non-polar, at codon 4035 of the USH2A protein (p.Pro4035Leu). This variant is not present in population databases (gnomAD no frequency). This missense change has been observed in individual(s) with Usher syndrome (PMID: 29625443, 32675063). ClinVar contains an entry for this variant (Variation ID: 2627272). Advanced modeling of protein sequence and biophysical properties (such as structural, functional, and spatial information, amino acid conservation, physicochemical variation, residue mobility, and thermodynamic stability) performed at Invitae indicates that this missense variant is expected to disrupt USH2A protein function with a positive predictive value of 95%. For these reasons, this variant has been classified as Pathogenic.

Literature cited by the submitters: PubMed 29625443 (cited by Women's Health and Genetics/Laboratory Corporation of America, LabCorp and Labcorp Genetics (formerly Invitae), Labcorp); PubMed 32675063 (cited by Women's Health and Genetics/Laboratory Corporation of America, LabCorp and Labcorp Genetics (formerly Invitae), Labcorp).

NM_206933.4(USH2A):c.12104C>T (p.Pro4035Leu)

Gene: USH2A (usherin; minus strand). Cytogenetic location: 1q41.
Variant type: single nucleotide variant.
Coding change: c.12104C>T on transcript NM_206933.4 (MANE Select); coding-DNA position 12104, C replaced by T.
Protein change: p.Pro4035Leu; replaces proline 4035 with leucine.
Molecular consequence: missense variant.
Genome position (GRCh38, 1-based): chr1:215,680,339, G>A on the plus strand (C>T on the coding strand, the complement: USH2A is on the minus strand). VCF-style: chr1-215680339-G-A. GRCh37 (hg19) VCF-style: chr1-215853681-G-A.
Other names: short protein forms P4035L.
Identifiers: ClinVar variation 2627272 (VCV002627272.5), dbSNP rs2464915266, ClinGen allele CA344816677.